The following is an entry in ClinVar:

NM_000214.3(JAG1):c.1342G>A (p.Asp448Asn)

Gene: JAG1 (jagged canonical Notch ligand 1; minus strand). Cytogenetic location: 20p12.2.
Variant type: single nucleotide variant.
Coding change: c.1342G>A on transcript NM_000214.3 (MANE Select); coding-DNA position 1342, G replaced by A.
Protein change: p.Asp448Asn; replaces aspartic acid 448 with asparagine.
Molecular consequence: missense variant.
Genome position (GRCh38, 1-based): chr20:10,649,528, C>T on the plus strand (G>A on the coding strand, the complement: JAG1 is on the minus strand). VCF-style: chr20-10649528-C-T. GRCh37 (hg19) VCF-style: chr20-10630176-C-T.
Other names: short protein forms D448N.
Identifiers: ClinVar variation 4874707 (VCV004874707.2).

ClinVar aggregate classification (germline): Uncertain significance (1 of 4 stars; one submission).

Submission:

CeGaT Center for Human Genetics Tuebingen
Classification: Uncertain significance. Last evaluated: 2026-04-01. Review status: criteria provided, single submitter. Criteria: CeGaT Center For Human Genetics Tuebingen Variant Classification Criteria Version 2. Collection method: clinical testing. Allele origin: germline. Affected: yes. Observed: 1 variant allele.
Comment: JAG1: PM2